The following is an entry in ClinVar:

ClinVar aggregate classification (germline): Uncertain significance (1 of 4 stars; one submission).

Allele frequency attached by ClinVar (database versions not stated): gnomAD exomes 0.00001.
gnomAD v4.1: 16 of 1,612,670 alleles (0.00099%); highest among the groups gnomAD compares: Non-Finnish European, 0.0014%; no homozygotes.

Submission:

Ambry Genetics
Classification: Uncertain significance. Last evaluated: 2024-06-15. Review status: criteria provided, single submitter. Criteria: Ambry Variant Classification Scheme 2023. Collection method: clinical testing. Allele origin: germline.
Comment: The p.I397L variant (also known as c.1189A>C), located in coding exon 4 of the PALLD gene, results from an A to C substitution at nucleotide position 1189. The isoleucine at codon 397 is replaced by leucine, an amino acid with highly similar properties. This amino acid position is conserved. In addition, the in silico prediction for this alteration is inconclusive. Since supporting evidence is limited at this time, the clinical significance of this alteration remains unclear.

NM_001166108.2(PALLD):c.1189A>C (p.Ile397Leu)

Gene: PALLD (palladin, cytoskeletal associated protein; plus strand). Cytogenetic location: 4q32.3.
Variant type: single nucleotide variant.
Coding change: c.1189A>C on transcript NM_001166108.2 (MANE Select); coding-DNA position 1189, A replaced by C.
Protein change: p.Ile397Leu; replaces isoleucine 397 with leucine.
Molecular consequence: missense variant.
Genome position (GRCh38, 1-based): chr4:168,683,032, A>C. VCF-style: chr4-168683032-A-C. GRCh37 (hg19) VCF-style: chr4-169604183-A-C.
Other names: c.43A>C, p.Ile15Leu (NM_001166109.2); c.1189A>C, p.Ile397Leu (NM_016081.4); short protein forms I397L, I15L.
Identifiers: ClinVar variation 1744211 (VCV001744211.3), dbSNP rs745487341, ClinGen allele CA110494286.